The following is an entry in ClinVar:

ClinVar aggregate classification (germline): Uncertain significance. Review status: criteria provided, multiple submitters, no conflicts (2 of 4 stars). 4 submissions from 4 submitters: Uncertain significance (4). Last evaluated 2025-04-22.

Conditions:
Tuberous sclerosis 1 (TSC1). Identifiers: Orphanet 805, MedGen C1854465, MONDO:0008612, OMIM 191100.
Hereditary cancer-predisposing syndrome. Also called: Hereditary neoplastic syndrome; Neoplastic Syndromes, Hereditary; Tumor predisposition; Hereditary Cancer Syndrome. Identifiers: Orphanet 140162, MedGen C0027672, MeSH D009386, MONDO:0015356.
Tuberous sclerosis syndrome (TSC). Also called: Tuberous sclerosis; Tuberous Sclerosis Complex. Identifiers: Orphanet 805, MedGen C0041341, MONDO:0001734.

Submissions (4):

Labcorp Genetics (formerly Invitae), Labcorp
Classification: Uncertain significance for Tuberous sclerosis 1. Last evaluated: 2025-04-22. Review status: criteria provided, single submitter. Criteria: Invitae Variant Classification Sherloc (09022015). Collection method: clinical testing. Allele origin: germline.
Comment: This sequence change replaces phenylalanine, which is neutral and non-polar, with leucine, which is neutral and non-polar, at codon 707 of the TSC1 protein (p.Phe707Leu). This variant is not present in population databases (gnomAD no frequency). This variant has not been reported in the literature in individuals affected with TSC1-related conditions. ClinVar contains an entry for this variant (Variation ID: 1005583). Invitae Evidence Modeling of protein sequence and biophysical properties (such as structural, functional, and spatial information, amino acid conservation, physicochemical variation, residue mobility, and thermodynamic stability) indicates that this missense variant is not expected to disrupt TSC1 protein function with a negative predictive value of 95%. In summary, the available evidence is currently insufficient to determine the role of this variant in disease. Therefore, it has been classified as a Variant of Uncertain Significance.

GeneDx
Classification: Uncertain significance. Last evaluated: 2024-08-28. Review status: criteria provided, single submitter. Criteria: GeneDx Variant Classification Process June 2021. Collection method: clinical testing. Allele origin: germline. Affected: yes.
Comment: Not observed at significant frequency in large population cohorts (gnomAD); In silico analysis supports that this missense variant has a deleterious effect on protein structure/function; Has not been previously published as pathogenic or benign to our knowledge

All of Us Research Program, National Institutes of Health
Classification: Uncertain significance for Tuberous sclerosis syndrome. Last evaluated: 2024-01-11. Review status: criteria provided, single submitter. Criteria: ACMG Guidelines, 2015. Collection method: clinical testing. Allele origin: germline. Inheritance: Autosomal dominant inheritance. Observed: 1 variant allele, 1 heterozygote.
Comment: This study involves interpretation of variants in research participants for the purpose of population health screening. Participant phenotype was not available at the time of variant classification. Additional details can be found in publication PMID: 35346344, PMCID: PMC8962531

Ambry Genetics
Classification: Uncertain significance for Hereditary cancer-predisposing syndrome. Last evaluated: 2022-01-17. Review status: criteria provided, single submitter. Criteria: Ambry Variant Classification Scheme 2023. Collection method: clinical testing. Allele origin: germline.
Comment: The p.F707L variant (also known as c.2119T>C), located in coding exon 15 of the TSC1 gene, results from a T to C substitution at nucleotide position 2119. The phenylalanine at codon 707 is replaced by leucine, an amino acid with highly similar properties. This amino acid position is conserved. In addition, the in silico prediction for this alteration is inconclusive. Since supporting evidence is limited at this time, the clinical significance of this alteration remains unclear.

NM_000368.5(TSC1):c.2119T>C (p.Phe707Leu)

Gene: TSC1 (TSC complex subunit 1; minus strand). Cytogenetic location: 9q34.13.
Variant type: single nucleotide variant.
Coding change: c.2119T>C on transcript NM_000368.5 (MANE Select); coding-DNA position 2119, T replaced by C.
Protein change: p.Phe707Leu; replaces phenylalanine 707 with leucine.
Molecular consequence: missense variant.
Genome position (GRCh38, 1-based): chr9:132,903,740, A>G on the plus strand (T>C on the coding strand, the complement: TSC1 is on the minus strand). VCF-style: chr9-132903740-A-G. GRCh37 (hg19) VCF-style: chr9-135779127-A-G.
Other names: c.2116T>C, p.Phe706Leu (NM_001162426.2); c.1966T>C, p.Phe656Leu (NM_001162427.2); c.1756T>C, p.Phe586Leu (NM_001362177.2); short protein forms F586L, F656L, F706L, F707L.
Identifiers: ClinVar variation 1005583 (VCV001005583.13), dbSNP rs1845501093, ClinGen allele CA375361013.